The following is an entry in ClinVar:

NM_144670.6(A2ML1):c.2128G>A (p.Gly710Ser)

Gene: A2ML1 (alpha-2-macroglobulin like 1; plus strand). Cytogenetic location: 12p13.31.
Variant type: single nucleotide variant.
Coding change: c.2128G>A on transcript NM_144670.6 (MANE Select); coding-DNA position 2128, G replaced by A.
Protein change: p.Gly710Ser; replaces glycine 710 with serine.
Molecular consequence: missense variant.
Genome position (GRCh38, 1-based): chr12:8,850,168, G>A. VCF-style: chr12-8850168-G-A. GRCh37 (hg19) VCF-style: chr12-9002764-G-A.
Other names: c.655G>A, p.Gly219Ser (NM_001282424.3); short protein forms G219S, G710S.
Identifiers: ClinVar variation 2722253 (VCV002722253.3), dbSNP rs1364181861, ClinGen allele CA383832044.
Genomic context (GRCh38, chr12:8,850,168, plus strand): 5'-ACAACAAGAAGTCTCCTGTTTCCTAAAGTTTTCGTATTCTCAATTTCATCAGCAGGCGGT[G>A]GTCATCCAGAGGCTTTTGAGTCATCAACTCCTTTACATCAAGCAGAGGATTCTCAGGTCC-3'
Protein context (NP_653271.3, residues 700-720): EYSTAMGAGG[Gly710Ser]HPEAFESSTP

ClinVar aggregate classification (germline): Uncertain significance (1 of 4 stars; one submission).

Allele frequency attached by ClinVar (database versions not stated): gnomAD exomes below 0.00001; TOPMed 0.00001.

Submission:

Labcorp Genetics (formerly Invitae), Labcorp
Classification: Uncertain significance. Last evaluated: 2024-01-02. Review status: criteria provided, single submitter. Criteria: Invitae Variant Classification Sherloc (09022015). Collection method: clinical testing. Allele origin: germline.
Comment: This sequence change replaces glycine, which is neutral and non-polar, with serine, which is neutral and polar, at codon 710 of the A2ML1 protein (p.Gly710Ser). This variant is present in population databases (no rsID available, gnomAD 0.006%). This variant has not been reported in the literature in individuals affected with A2ML1-related conditions. An algorithm developed to predict the effect of missense changes on protein structure and function (PolyPhen-2) suggests that this variant is likely to be tolerated. In summary, the available evidence is currently insufficient to determine the role of this variant in disease. Therefore, it has been classified as a Variant of Uncertain Significance.